The following is an entry in ClinVar:

ClinVar aggregate classification (germline): Benign. Review status: criteria provided, multiple submitters, no conflicts (2 of 4 stars). 13 submissions from 12 submitters: Benign (11). 2 of the submissions do not count toward it. Last evaluated 2026-02-03.

Conditions:
RYR1-related disorder. Also called: RYR1-related condition; RYR1-related disorders. Identifiers: MedGen CN239331.
Congenital multicore myopathy with external ophthalmoplegia (CMYO1B). Also called: Congenital myopathy 1B, autosomal recessive; Minicore myopathy; Minicore myopathy with external ophthalmoplegia; MULTIMINICORE DISEASE WITH EXTERNAL OPHTHALMOPLEGIA; MULTICORE MYOPATHY. Identifiers: Orphanet 598, Orphanet 98905, MedGen C1850674, MONDO:0009712, OMIM 255320, HP:0003789.
Malignant hyperthermia, susceptibility to, 1 (MHS1). Also called: RYR1-Related Malignant Hyperthermia Susceptibility; Malignant hyperthermia suceptibility 1; Anesthesia related hyperthermia; Malignant hyperpyrexia; Fulminating hyperpyrexia; Pharmacogenic myopathy. Identifiers: Orphanet 423, MedGen C2930980, MONDO:0007783, OMIM 145600.

Allele frequency attached by ClinVar (database versions not stated): gnomAD exomes 0.00457 and 0.01180; ExAC 0.01487; gnomAD 0.04369 and 0.04660; ESP Exome Variant Server 0.05036; TOPMed 0.05039; 1000 Genomes Project 0.05391; 1000 Genomes Project 30x 0.05731.
gnomAD v4.1: 13,715 of 1,613,736 alleles (0.85%); highest among the groups gnomAD compares: African/African-American, 15%; 937 homozygotes.

Submissions (13):

Labcorp Genetics (formerly Invitae), Labcorp
Classification: Benign for RYR1-related disorder. Last evaluated: 2026-02-03. Review status: criteria provided, single submitter. Criteria: Invitae Variant Classification Sherloc (09022015). Collection method: clinical testing. Allele origin: germline.

Athena Diagnostics
Classification: Benign. Last evaluated: 2019-11-04. Review status: criteria provided, single submitter. Criteria: Athena Diagnostics Criteria. Collection method: clinical testing. Allele origin: unknown.

Color Diagnostics, LLC DBA Color Health
Classification: Benign for Malignant hyperthermia, susceptibility to, 1. Last evaluated: 2019-03-29. Review status: criteria provided, single submitter. Criteria: ACMG Guidelines, 2015. Collection method: clinical testing. Allele origin: germline.

PreventionGenetics, part of Exact Sciences
Classification: Benign. Last evaluated: 2018-04-03. Review status: criteria provided, single submitter. Criteria: ACMG Guidelines, 2015. Collection method: clinical testing. Allele origin: germline.

Mayo Clinic Laboratories, Mayo Clinic
Classification: Benign. Last evaluated: 2018-02-20. Review status: criteria provided, single submitter. Criteria: ACMG Guidelines, 2015. Collection method: clinical testing. Allele origin: germline. Observed: 31 variant alleles.

Illumina Laboratory Services, Illumina
Classification: Benign for Congenital multicore myopathy with external ophthalmoplegia. Last evaluated: 2018-01-12. Review status: criteria provided, single submitter. Criteria: ICSL Variant Classification Criteria 13 December 2019. Collection method: clinical testing. Allele origin: germline.
Comment: This variant was observed in the ICSL laboratory as part of a predisposition screen in an ostensibly healthy population. It had not been previously curated by ICSL or reported in the Human Gene Mutation Database (HGMD: prior to June 1st, 2018), and was therefore a candidate for classification through an automated scoring system. Utilizing variant allele frequency, disease prevalence and penetrance estimates, and inheritance mode, an automated score was calculated to assess if this variant is too frequent to cause the disease. Based on the score and internal cut-off values, a variant classified as benign is not then subjected to further curation. The score for this variant resulted in a classification of benign for this disease.

Illumina Laboratory Services, Illumina
Classification: Benign for Malignant hyperthermia, susceptibility to, 1. Last evaluated: 2018-01-12. Review status: criteria provided, single submitter. Criteria: ICSL Variant Classification Criteria 13 December 2019. Collection method: clinical testing. Allele origin: germline.
Comment: the same text as in the submission from Illumina Laboratory Services, Illumina above.

GeneDx
Classification: Benign. Last evaluated: 2016-05-04. Review status: criteria provided, single submitter. Criteria: GeneDx Variant Classification (06012015). Collection method: clinical testing. Allele origin: germline. Affected: yes.
Comment: This variant is considered likely benign or benign based on one or more of the following criteria: it is a conservative change, it occurs at a poorly conserved position in the protein, it is predicted to be benign by multiple in silico algorithms, and/or has population frequency not consistent with disease.

Eurofins Ntd Llc (ga)
Classification: Benign. Last evaluated: 2013-05-05. Review status: criteria provided, single submitter. Criteria: EGL Classification Definitions 2015. Collection method: clinical testing. Allele origin: germline. Observed: 3 variant alleles, 3 heterozygotes.

Genetic Services Laboratory, University of Chicago
Classification: Benign. Last evaluated: 2013-02-08. Review status: criteria provided, single submitter. Criteria: ACMG Guidelines, 2007. Collection method: clinical testing. Allele origin: germline. Inheritance: Autosomal unknown.

Breakthrough Genomics
Classification: Benign. Review status: criteria provided, single submitter. Criteria: ACMG Guidelines, 2015. Collection method: not provided. Allele origin: germline. Inheritance: Autosomal recessive inheritance. Affected: yes.

Joint Genome Diagnostic Labs from Nijmegen and Maastricht, Radboudumc and MUMC+
Classification: Benign. Review status: no assertion criteria provided. Collection method: clinical testing. Allele origin: germline. Affected: yes. Study: VKGL Data-share Consensus. Not counted in ClinVar's aggregate classification.

Laboratory of Diagnostic Genome Analysis, Leiden University Medical Center (LUMC)
Classification: Benign. Review status: no assertion criteria provided. Collection method: clinical testing. Allele origin: germline. Affected: yes. Study: VKGL Data-share Consensus. Not counted in ClinVar's aggregate classification.

NM_000540.3(RYR1):c.3858T>C (p.Leu1286=)

Gene: RYR1 (ryanodine receptor 1; plus strand). Cytogenetic location: 19q13.2.
Variant type: single nucleotide variant.
Coding change: c.3858T>C on transcript NM_000540.3 (MANE Select); coding-DNA position 3858, T replaced by C.
Protein change: p.Leu1286=; no amino-acid change (leucine 1286 retained).
Molecular consequence: synonymous variant.
Genome position (GRCh38, 1-based): chr19:38,473,469, T>C. VCF-style: chr19-38473469-T-C. GRCh37 (hg19) VCF-style: chr19-38964109-T-C.
Other names: p.Leu1286=; c.3858T>C, p.Leu1286= (NM_001042723.2).
Identifiers: ClinVar variation 93264 (VCV000093264.31), dbSNP rs16972636, ClinGen allele CA024410.